The following is an entry in ClinVar:

ClinVar aggregate classification (germline): Uncertain significance. Review status: criteria provided, multiple submitters, no conflicts (2 of 4 stars). 3 submissions from 3 submitters: Uncertain significance (3). Last evaluated 2023-12-12.

Conditions:
Hereditary cancer-predisposing syndrome. Also called: Hereditary Cancer Syndrome; Neoplastic Syndromes, Hereditary; Tumor predisposition; Hereditary neoplastic syndrome. Identifiers: Orphanet 140162, MedGen C0027672, MeSH D009386, MONDO:0015356.
Hereditary breast ovarian cancer syndrome. Also called: Hereditary breast and ovarian cancer syndrome; Hereditary breast and ovarian cancer; Hereditary breast and ovarian cancer syndrome (HBOC); Breast and ovarian cancer; Hereditary breast and/or ovarian cancer syndrome; BRCA1- and BRCA2-Associated Hereditary Breast and Ovarian Cancer. Identifiers: Orphanet 145, MedGen C0677776, MeSH D061325, MONDO:0003582. Disease mechanism: loss of function.

Allele frequency attached by ClinVar (database versions not stated): TOPMed below 0.00001.

Submissions (3):

Labcorp Genetics (formerly Invitae), Labcorp
Classification: Uncertain significance for Hereditary breast ovarian cancer syndrome. Last evaluated: 2023-12-12. Review status: criteria provided, single submitter. Criteria: Invitae Variant Classification Sherloc (09022015). Collection method: clinical testing. Allele origin: germline.
Comment: This sequence change replaces alanine, which is neutral and non-polar, with valine, which is neutral and non-polar, at codon 1453 of the BRCA1 protein (p.Ala1453Val). This variant is not present in population databases (gnomAD no frequency). This missense change has been observed in individual(s) with clinical features of BRCA1-related conditions (PMID: 31159747). ClinVar contains an entry for this variant (Variation ID: 481452). An algorithm developed to predict the effect of missense changes on protein structure and function (PolyPhen-2) suggests that this variant is likely to be tolerated. Algorithms developed to predict the effect of sequence changes on RNA splicing suggest that this variant may disrupt the consensus splice site. In summary, the available evidence is currently insufficient to determine the role of this variant in disease. Therefore, it has been classified as a Variant of Uncertain Significance.

Ambry Genetics
Classification: Uncertain significance for Hereditary cancer-predisposing syndrome. Last evaluated: 2023-01-30. Review status: criteria provided, single submitter. Criteria: Ambry Variant Classification Scheme 2023. Collection method: clinical testing. Allele origin: germline.
Comment: The p.A1453V variant (also known as c.4358C>T) is located in coding exon 12 of the BRCA1 gene. The alanine at codon 1453 is replaced by valine, an amino acid with similar properties. This change occurs in the first base pair of coding exon 12. This amino acid position is poorly conserved in available vertebrate species. In addition, this alteration is predicted to be tolerated by in silico analysis. Since supporting evidence is limited at this time, the clinical significance of this alteration remains unclear.

GeneKor MSA
Classification: Uncertain significance for Hereditary cancer-predisposing syndrome. Last evaluated: 2018-08-01. Review status: criteria provided, single submitter. Criteria: ACMG Guidelines, 2015. Collection method: clinical testing. Allele origin: germline. Affected: yes.

Literature cited by the submitters: PubMed 31159747 (cited by Labcorp Genetics (formerly Invitae), Labcorp).

NM_007294.4(BRCA1):c.4358C>T (p.Ala1453Val)

Gene: BRCA1 (BRCA1 DNA repair associated; minus strand). Cytogenetic location: 17q21.31.
Variant type: single nucleotide variant.
Coding change: c.4358C>T on transcript NM_007294.4 (MANE Select); coding-DNA position 4358, C replaced by T.
Protein change: p.Ala1453Val; replaces alanine 1453 with valine.
Molecular consequence: missense variant. On other transcripts: intron variant (138).
Genome position (GRCh38, 1-based): chr17:43,076,614, G>A on the plus strand (C>T on the coding strand, the complement: BRCA1 is on the minus strand). VCF-style: chr17-43076614-G-A. GRCh37 (hg19) VCF-style: chr17-41228631-G-A.
Other names: c.1046C>T, p.Ala349Val (NM_001407992.1, NM_001407979.1, NM_001407980.1 and 9 more transcripts); c.1049-3C>T (NM_007298.4, NM_001407993.1, NM_007299.4); c.4355-3C>T (NM_001407639.1, NM_001407861.1, NM_001407635.1 and 8 more transcripts); c.4358-3C>T (NM_001407859.1, NM_001407620.1, NM_001407623.1 and 7 more transcripts); c.4148-3C>T (NM_001407902.1, NM_001407906.1, NM_001407904.1 and 1 more transcripts); c.971-3C>T (NM_001408414.1, NM_001408412.1, NM_001408415.1); c.838+5790C>T (NM_001408514.1); c.4145-3C>T (NM_001407917.1, NM_001407918.1, NM_001407916.1); and 98 more; short protein forms A1453V, A1406V, A1325V, A1364V, A1405V, A1425V, A1426V, A1427V.
Identifiers: ClinVar variation 481452 (VCV000481452.23), dbSNP rs1171055085, ClinGen allele CA10592826.
Genomic context (GRCh38, chr17:43,076,614, plus strand): 5'-GAAAGGCCTTCTGGATTCTGGCTTATAGGGTATTCACTACTTTTCTGTGAAGTTAATACT[G>A]CTTTAAATGGAATGAGAAAACAAATCTACTTTACTGCTTTGTTCTGATAGTGATAATTCA-3'
Protein context (NP_009225.1, residues 1443-1463): RNPEQSTSEK[Ala1453Val]VLTSQKSSEY